The following is an entry in ClinVar:

NM_005677.4(COLQ):c.465+102C>T

Gene: COLQ (collagen like tail subunit of asymmetric acetylcholinesterase; minus strand). Cytogenetic location: 3p25.1.
Variant type: single nucleotide variant.
Coding change: c.465+102C>T on transcript NM_005677.4 (MANE Select); 102 bases into the intron after coding-DNA position 465, C replaced by T.
Molecular consequence: intron variant.
Genome position (GRCh38, 1-based): chr3:15,477,024, G>A on the plus strand (C>T on the coding strand, the complement: COLQ is on the minus strand). VCF-style: chr3-15477024-G-A. GRCh37 (hg19) VCF-style: chr3-15518531-G-A.
Other names: c.363+102C>T (NM_080539.4); c.435+102C>T (NM_080538.2).
Identifiers: ClinVar variation 1707298 (VCV001707298.2), dbSNP rs183968684, ClinGen allele CA70618182.

ClinVar aggregate classification (germline): Likely benign (1 of 4 stars; one submission).

Allele frequency attached by ClinVar (database versions not stated): 1000 Genomes Project 0.00719; 1000 Genomes Project 30x 0.00765.
gnomAD v4.1: 1,414 of 1,143,048 alleles (0.12%); highest among the groups gnomAD compares: African/African-American, 2%; 14 homozygotes.

Submission:

GeneDx
Classification: Likely benign. Last evaluated: 2021-10-05. Review status: criteria provided, single submitter. Criteria: GeneDx Variant Classification Process June 2021. Collection method: clinical testing. Allele origin: germline. Affected: yes.
Comment: See Variant Classification Assertion Criteria.